The following is an entry in ClinVar:

ClinVar aggregate classification (germline): Pathogenic. Review status: criteria provided, single submitter (1 of 4 stars). 2 submissions from 2 submitters: Pathogenic (1). 1 of the submissions does not count toward it. Last evaluated 2015-11-10.

Conditions:
Ehlers-Danlos syndrome, type 4 (EDSVASC). Also called: Ehlers-Danlos syndrome vascular type; Ehlers Danlos syndrome, ecchymotic type; Ehlers Danlos syndrome, arterial type; Ehlers Danlos syndrome, Sack-Barabas type; Ehlers-Danlos Syndrome Type IV. Identifiers: Orphanet 286, MedGen C0268338, MONDO:0017314, OMIM 130050.

Submissions (2):

Labcorp Genetics (formerly Invitae), Labcorp
Classification: Pathogenic for Ehlers-Danlos syndrome, type 4. Last evaluated: 2015-11-10. Review status: criteria provided, single submitter. Criteria: Invitae Variant Classification Sherloc (09022015). Collection method: clinical testing. Allele origin: germline.
Comment: For these reasons, this variant has been classified as Pathogenic. A different variant affecting this nucleotide has also been reported in a patient affected with Ehlers-Danlos syndrome (PMID: 24922459), indicating that this nucleotide may be crucial for normal mRNA splicing. Truncating variants in COL3A1 are known to be pathogenic. This particular truncation has been reported in the literature in a patient affected with Ehlers-Danlos syndrome (PMID: 24922459). This sequence change affects a donor splice site in intron 36. It is expected to disrupt mRNA splicing and likely results in an absent or disrupted protein product.

Collagen Diagnostic Laboratory, University of Washington
Classification: Pathogenic for Ehlers-Danlos syndrome, type 4. Review status: no assertion criteria provided. Collection method: clinical testing. Allele origin: germline. Affected: yes. Not counted in ClinVar's aggregate classification.

Literature cited by the submitters: PubMed 24922459 (cited by Labcorp Genetics (formerly Invitae), Labcorp).

NM_000090.4(COL3A1):c.2553+1G>A

Gene: COL3A1 (collagen type III alpha 1 chain; plus strand). Cytogenetic location: 2q32.2.
Variant type: single nucleotide variant.
Coding change: c.2553+1G>A on transcript NM_000090.4 (MANE Select); the canonical splice donor site of the intron after coding-DNA position 2553, G replaced by A.
Molecular consequence: splice donor variant.
Genome position (GRCh38, 1-based): chr2:189,003,063, G>A. VCF-style: chr2-189003063-G-A. GRCh37 (hg19) VCF-style: chr2-189867789-G-A.
Identifiers: ClinVar variation 101413 (VCV000101413.10), dbSNP rs587779664, ClinGen allele CA005463.